The following is an entry in ClinVar:

NM_004360.5(CDH1):c.2549C>T (p.Ser850Phe)

Gene: CDH1 (cadherin 1; plus strand). Cytogenetic location: 16q22.1.
Variant type: single nucleotide variant.
Coding change: c.2549C>T on transcript NM_004360.5 (MANE Select); coding-DNA position 2549, C replaced by T.
Protein change: p.Ser850Phe; replaces serine 850 with phenylalanine.
Molecular consequence: missense variant.
Genome position (GRCh38, 1-based): chr16:68,833,399, C>T. VCF-style: chr16-68833399-C-T. GRCh37 (hg19) VCF-style: chr16-68867302-C-T.
Other names: c.2366C>T, p.Ser789Phe (NM_001317184.2); c.1001C>T, p.Ser334Phe (NM_001317185.2); c.584C>T, p.Ser195Phe (NM_001317186.2); short protein forms S789F, S850F, S195F, S334F.
Identifiers: ClinVar variation 857593 (VCV000857593.11), dbSNP rs1337211551, ClinGen allele CA396472400.

ClinVar aggregate classification (germline): Uncertain significance. Review status: criteria provided, multiple submitters, no conflicts (2 of 4 stars). 2 submissions from 2 submitters: Uncertain significance (2). Last evaluated 2025-12-02.

Conditions:
Hereditary cancer-predisposing syndrome. Also called: Hereditary neoplastic syndrome; Tumor predisposition; Neoplastic Syndromes, Hereditary; Hereditary Cancer Syndrome. Identifiers: Orphanet 140162, MedGen C0027672, MeSH D009386, MONDO:0015356.
Hereditary diffuse gastric adenocarcinoma (HDGC). Also called: DIFFUSE GASTRIC AND LOBULAR BREAST CANCER SYNDROME. Identifiers: Orphanet 26106, MedGen C1708349, MONDO:0007648, OMIM 137215.

Submissions (2):

Labcorp Genetics (formerly Invitae), Labcorp
Classification: Uncertain significance for Hereditary diffuse gastric adenocarcinoma. Last evaluated: 2025-12-02. Review status: criteria provided, single submitter. Criteria: Invitae Variant Classification Sherloc (09022015). Collection method: clinical testing. Allele origin: germline.
Comment: This sequence change replaces serine, which is neutral and polar, with phenylalanine, which is neutral and non-polar, at codon 850 of the CDH1 protein (p.Ser850Phe). This variant is not present in population databases (gnomAD no frequency). This variant has not been reported in the literature in individuals affected with CDH1-related conditions. ClinVar contains an entry for this variant (Variation ID: 857593). An algorithm developed to predict the effect of missense changes on protein structure and function (PolyPhen-2) suggests that this variant is likely to be disruptive. In summary, the available evidence is currently insufficient to determine the role of this variant in disease. Therefore, it has been classified as a Variant of Uncertain Significance.

Ambry Genetics
Classification: Uncertain significance for Hereditary cancer-predisposing syndrome. Last evaluated: 2023-11-18. Review status: criteria provided, single submitter. Criteria: Ambry Variant Classification Scheme 2023. Collection method: clinical testing. Allele origin: germline.
Comment: The p.S850F variant (also known as c.2549C>T), located in coding exon 16 of the CDH1 gene, results from a C to T substitution at nucleotide position 2549. The serine at codon 850 is replaced by phenylalanine, an amino acid with highly dissimilar properties. This amino acid position is conserved. In addition, this alteration is predicted to be deleterious by in silico analysis. Since supporting evidence is limited at this time, the clinical significance of this alteration remains unclear.